The following is an entry in ClinVar:

NM_001267550.2(TTN):c.55627C>A (p.Leu18543Ile)

Genes: TTN (titin; minus strand), TTN-AS1 (TTN antisense RNA 1; plus strand). Cytogenetic location: 2q31.2.
Variant type: single nucleotide variant.
Coding change: c.55627C>A on transcript NM_001267550.2 (MANE Select); coding-DNA position 55627, C replaced by A.
Protein change: p.Leu18543Ile; replaces leucine 18543 with isoleucine.
Molecular consequence: missense variant.
Genome position (GRCh38, 1-based): chr2:178,601,370, G>T on the plus strand (C>A on the coding strand, the complement: TTN is on the minus strand). VCF-style: chr2-178601370-G-T. GRCh37 (hg19) VCF-style: chr2-179466097-G-T.
Other names: c.50704C>A, p.Leu16902Ile (NM_001256850.1); c.28432C>A, p.Leu9478Ile (NM_003319.4); c.47923C>A, p.Leu15975Ile (NM_133378.4); c.28807C>A, p.Leu9603Ile (NM_133432.3); c.29008C>A, p.Leu9670Ile (NM_133437.4); short protein forms L15975I, L16902I, L18543I, L9478I, L9603I, L9670I.
Identifiers: ClinVar variation 1723786 (VCV001723786.2), dbSNP rs374878433, ClinGen allele CA1993421.

ClinVar aggregate classification (germline): Uncertain significance (1 of 4 stars; one submission).

gnomAD v4.1: 3 of 1,612,720 alleles (0.00019%); highest among the groups gnomAD compares: East Asian, 0.0045%; no homozygotes.

Submission:

GeneDx
Classification: Uncertain significance. Last evaluated: 2022-05-10. Review status: criteria provided, single submitter. Criteria: GeneDx Variant Classification Process June 2021. Collection method: clinical testing. Allele origin: germline. Affected: yes.
Comment: Not observed at significant frequency in large population cohorts (gnomAD); Missense variant in a gene in which most reported pathogenic variants are truncating/loss of function; Has not been previously published as pathogenic or benign to our knowledge